The following is an entry in ClinVar:

ClinVar aggregate classification (germline): Benign. Review status: criteria provided, single submitter (1 of 4 stars). 3 submissions from 1 submitter: Benign (3). Last evaluated 2018-01-12.

Conditions:
Insulin-resistant diabetes mellitus AND acanthosis nigricans. Also called: Insulin-resistance syndrome type A; INSULIN RECEPTOR, DEFECT IN, WITH INSULIN-RESISTANT DIABETES MELLITUS AND ACANTHOSIS NIGRICANS; IRAN, TYPE A; type A insulin resistance; DIABETES MELLITUS, INSULIN-RESISTANT, WITH ACANTHOSIS NIGRICANS, TYPE A. Identifiers: Orphanet 2297, MedGen C0342278, MONDO:0012520, OMIM 610549.
Rabson-Mendenhall syndrome. Also called: MENDENHALL SYNDROME; Pineal Hyperplasia, Insulin-Resistant Diabetes Mellitus, and Somatic Abnormalities; Pineal hyperplasia AND diabetes mellitus syndrome. Identifiers: Orphanet 769, MedGen C0271695, MONDO:0009874, OMIM 262190.
Leprechaunism syndrome. Also called: Donohue syndrome; LEPRECHAUNISM. Identifiers: Orphanet 508, MedGen C0265344, MONDO:0009517, OMIM 246200.

Allele frequency attached by ClinVar (database versions not stated): 1000 Genomes Project 0.00599; gnomAD 0.00636 and 0.00665; 1000 Genomes Project 30x 0.00687; TOPMed 0.00810.

Submissions (3):

Illumina Laboratory Services, Illumina
Classification: Benign for Rabson-Mendenhall syndrome. Last evaluated: 2018-01-12. Review status: criteria provided, single submitter. Criteria: ICSL Variant Classification Criteria 13 December 2019. Collection method: clinical testing. Allele origin: germline.
Comment: This variant was observed in the ICSL laboratory as part of a predisposition screen in an ostensibly healthy population. It had not been previously curated by ICSL or reported in the Human Gene Mutation Database (HGMD: prior to June 1st, 2018), and was therefore a candidate for classification through an automated scoring system. Utilizing variant allele frequency, disease prevalence and penetrance estimates, and inheritance mode, an automated score was calculated to assess if this variant is too frequent to cause the disease. Based on the score and internal cut-off values, a variant classified as benign is not then subjected to further curation. The score for this variant resulted in a classification of benign for this disease.

Illumina Laboratory Services, Illumina
Classification: Benign for Leprechaunism syndrome. Last evaluated: 2018-01-12. Review status: criteria provided, single submitter. Criteria: ICSL Variant Classification Criteria 13 December 2019. Collection method: clinical testing. Allele origin: germline.
Comment: the same text as in the submission from Illumina Laboratory Services, Illumina above.

Illumina Laboratory Services, Illumina
Classification: Benign for Insulin-resistant diabetes mellitus AND acanthosis nigricans. Last evaluated: 2018-01-12. Review status: criteria provided, single submitter. Criteria: ICSL Variant Classification Criteria 13 December 2019. Collection method: clinical testing. Allele origin: germline.
Comment: the same text as in the submission from Illumina Laboratory Services, Illumina above.

NM_000208.4(INSR):c.*2502A>G

Gene: INSR (insulin receptor; minus strand). Cytogenetic location: 19p13.2.
Variant type: single nucleotide variant.
Coding change: c.*2502A>G on transcript NM_000208.4 (MANE Select); 2502 bases downstream of the stop codon, A replaced by G.
Molecular consequence: 3 prime UTR variant.
Genome position (GRCh38, 1-based): chr19:7,114,554, T>C on the plus strand (A>G on the coding strand, the complement: INSR is on the minus strand). VCF-style: chr19-7114554-T-C. GRCh37 (hg19) VCF-style: chr19-7114565-T-C.
Other names: c.*2502A>G (NM_001079817.3).
Identifiers: ClinVar variation 330385 (VCV000330385.5), dbSNP rs149795309, ClinGen allele CA10652842.